The following is an entry in ClinVar:

ClinVar aggregate classification (germline): Likely pathogenic. Review status: criteria provided, multiple submitters, no conflicts (2 of 4 stars). 4 submissions from 4 submitters: Likely pathogenic (4). Last evaluated 2026-04-29.

Conditions:
Alport syndrome. Also called: Hemorrhagic familial nephritis; Hemorrhagic hereditary nephritis; Congenital hereditary hematuria. Identifiers: Orphanet 63, MedGen C1567741, MONDO:0018965.
Autosomal dominant Alport syndrome (ATS3A). Also called: ALPORT SYNDROME 3A, AUTOSOMAL DOMINANT; Alport syndrome dominant type; Renal failure and sensorineural hearing loss. Identifiers: Orphanet 63, Orphanet 88918, MedGen C5882663, MONDO:0007086, OMIM 104200.

Allele frequency attached by ClinVar (database versions not stated): gnomAD exomes below 0.00001.
gnomAD v4.1: 2 of 1,614,122 alleles (0.00012%); highest among the groups gnomAD compares: Non-Finnish European, 0.00017%; no homozygotes.

Submissions (4):

Myriad Genetics, Inc.
Classification: Likely pathogenic for Alport syndrome. Last evaluated: 2026-04-29. Review status: criteria provided, single submitter. Criteria: Myriad Autosomal Dominant, Autosomal Recessive and X-Linked Classification Criteria (2023). Collection method: clinical testing. Allele origin: unknown.
Comment: NM_000091.4(COL4A3):c.2666G>T(G889V) is a missense variant classified as likely pathogenic in the context of Alport syndrome, COL4A3-related. G889V has been observed in a case with relevant disease (PMID: 40004525). Relevant functional assessments of this variant are not available in the literature. Internal structural analysis of the variant is supportive of pathogenicity. G889V has not been observed in referenced population frequency databases. In summary, NM_000091.4(COL4A3):c.2666G>T(G889V) is a missense variant that has internal structural support for pathogenicity and has been observed more frequently in cases with the relevant disease than in healthy populations. Please note: this variant was assessed in the context of healthy population screening.

Natera, Inc.
Classification: Likely pathogenic for Alport syndrome. Last evaluated: 2025-08-25. Review status: criteria provided, single submitter. Criteria: Natera Variant Classification Schema (03/2026). Collection method: clinical testing. Allele origin: germline.
Comment: The c.2666G>T variant in COL4A3 is a missense variant predicted to cause substitution of glycine to valine at amino acid 889. This variant is rare in the general population with a frequency below the threshold expected for the associated phenotype(s). This variant has been observed in one or more individuals affected with the associated recessive disease, as either homozygous or compound heterozygous with a second variant (PMID: 40004525). This variant is located in a functionally critical region of the protein. Computational prediction algorithms indicate this variant is likely to affect gene or protein function. Given the available evidence, this variant is classified as Likely Pathogenic.

Variantyx, Inc.
Classification: Likely pathogenic for Autosomal dominant Alport syndrome. Last evaluated: 2025-03-12. Review status: criteria provided, single submitter. Criteria: Variantyx Assertion Criteria 2022. Collection method: clinical testing. Allele origin: germline. Inheritance: Autosomal dominant inheritance. Affected: yes.
Comment: This is a nonsynonymous variant in the COL4A3 gene (OMIM: 120070). Pathogenic variants in this gene have been associated with autosomal semidominant Alport syndrome spectrum. This variant replaces a glycine residue in the repetitive Gly-X-Y sequence of the triple helical domain (amino acids 43-1438), which disrupts the structure of fibrillar collagen and is a common disease mechanism in collagenopathies (PMID: 35177655, 33854215) (PM1_Strong), and multiple computational algorithms predict a deleterious effect for this variant (REVEL score: 0.953) (PP3). This variant has a 0.0006% maximum allele frequency in non-founder control populations (PM2). Based on the current evidence, this variant is classified as likely pathogenic for autosomal semidominant Alport syndrome spectrum.

MVZ Medizinische Genetik Mainz
Classification: Likely pathogenic for Autosomal dominant Alport syndrome. Last evaluated: 2023-08-18. Review status: criteria provided, single submitter. Criteria: UK Practice Guidelines For Variant Classification V4 01 2020. Collection method: clinical testing. Allele origin: germline. Inheritance: Autosomal dominant inheritance. Affected: yes. Observed: 1 variant allele.
Comment: ACMG Criteria: PM1_STR,PS4_SUP,PM2_SUP,PP3,PP4

Literature cited by the submitters: PubMed 40004525 (cited by Myriad Genetics, Inc. and Natera, Inc.); PubMed 35177655 (cited by Variantyx, Inc.); PubMed 33854215 (cited by Variantyx, Inc.).

NM_000091.5(COL4A3):c.2666G>T (p.Gly889Val)

Genes: COL4A3 (collagen type IV alpha 3 chain; plus strand), MFF-DT (MFF divergent transcript; minus strand). Cytogenetic location: 2q36.3.
Variant type: single nucleotide variant.
Coding change: c.2666G>T on transcript NM_000091.5 (MANE Select); coding-DNA position 2666, G replaced by T.
Protein change: p.Gly889Val; replaces glycine 889 with valine.
Molecular consequence: missense variant.
Genome position (GRCh38, 1-based): chr2:227,283,776, G>T. VCF-style: chr2-227283776-G-T. GRCh37 (hg19) VCF-style: chr2-228148492-G-T.
Other names: short protein forms G889V.
Identifiers: ClinVar variation 3066299 (VCV003066299.4), dbSNP rs2469779404, ClinGen allele CA350851066.